The following is an entry in ClinVar:

NM_004415.4(DSP):c.6029C>T (p.Pro2010Leu)

Gene: DSP (desmoplakin; plus strand). Cytogenetic location: 6p24.3.
Variant type: single nucleotide variant.
Coding change: c.6029C>T on transcript NM_004415.4 (MANE Select); coding-DNA position 6029, C replaced by T.
Protein change: p.Pro2010Leu; replaces proline 2010 with leucine.
Molecular consequence: missense variant.
Genome position (GRCh38, 1-based): chr6:7,583,291, C>T. VCF-style: chr6-7583291-C-T. GRCh37 (hg19) VCF-style: chr6-7583524-C-T.
Other names: c.4232C>T, p.Pro1411Leu (NM_001008844.3); c.4700C>T, p.Pro1567Leu (NM_001319034.2); short protein forms P1411L, P1567L, P2010L.
Identifiers: ClinVar variation 1171184 (VCV001171184.3), dbSNP rs2113699350, ClinGen allele CA362689942.

ClinVar aggregate classification (germline): Uncertain significance (1 of 4 stars; one submission).

Conditions:
Cardiomyopathy (CMYO). Also called: Cardiomyopathies. Identifiers: Orphanet 167848, MedGen C0878544, MONDO:0004994, HP:0001638. Inheritance: Various modes of inheritance.

Submission:

Color Diagnostics, LLC DBA Color Health
Classification: Uncertain significance for Cardiomyopathy. Last evaluated: 2024-03-06. Review status: criteria provided, single submitter. Criteria: ACMG Guidelines, 2015. Collection method: clinical testing. Allele origin: germline.
Comment: This missense variant replaces proline with leucine at codon 2010 of the DSP protein. Computational prediction suggests that this variant may not impact protein structure and function (internally defined REVEL score threshold <= 0.5, PMID: 27666373). To our knowledge, functional studies have not been reported for this variant. This variant has not been reported in individuals affected with cardiovascular disorders in the literature. This variant has not been identified in the general population by the Genome Aggregation Database (gnomAD). The available evidence is insufficient to determine the role of this variant in disease conclusively. Therefore, this variant is classified as a Variant of Uncertain Significance.